The following is an entry in ClinVar:

NM_000245.4(MET):c.3631A>G (p.Met1211Val)

Gene: MET (MET proto-oncogene, receptor tyrosine kinase; plus strand). Cytogenetic location: 7q31.2.
Variant type: single nucleotide variant.
Coding change: c.3631A>G on transcript NM_000245.4 (MANE Select); coding-DNA position 3631, A replaced by G.
Protein change: p.Met1211Val; replaces methionine 1211 with valine.
Molecular consequence: missense variant.
Genome position (GRCh38, 1-based): chr7:116,782,096, A>G. VCF-style: chr7-116782096-A-G. GRCh37 (hg19) VCF-style: chr7-116422150-A-G.
Other names: c.3685A>G, p.Met1229Val (NM_001127500.3); c.2341A>G, p.Met781Val (NM_001324402.2); short protein forms M781V, M1229V, M1211V.
Identifiers: ClinVar variation 3684461 (VCV003684461.2).
Genomic context (GRCh38, chr7:116,782,096, plus strand): 5'-GGCATGAAATATCTTGCAAGCAAAAAGTTTGTCCACAGAGACTTGGCTGCAAGAAACTGT[A>G]TGTAAGTATCAGAATCTCTGTGCCACAATCCAAATTAAGTGACAAGGAGGAATCTGTTTC-3'
Protein context (NP_000236.2, residues 1201-1221): VHRDLAARNC[Met1211Val]LDEKFTVKVA

ClinVar aggregate classification (germline): Uncertain significance (1 of 4 stars; one submission).

Conditions:
Renal cell carcinoma. Identifiers: Orphanet 217071, MedGen C0007134, MeSH D002292, MONDO:0005086, HP:0005584.

Submission:

Labcorp Genetics (formerly Invitae), Labcorp
Classification: Uncertain significance for Renal cell carcinoma. Last evaluated: 2024-10-21. Review status: criteria provided, single submitter. Criteria: Invitae Variant Classification Sherloc (09022015). Collection method: clinical testing. Allele origin: germline.
Comment: This sequence change replaces methionine, which is neutral and non-polar, with valine, which is neutral and non-polar, at codon 1229 of the MET protein (p.Met1229Val). This variant is not present in population databases (gnomAD no frequency). This variant has not been reported in the literature in individuals affected with MET-related conditions. An algorithm developed to predict the effect of missense changes on protein structure and function (PolyPhen-2) suggests that this variant is likely to be disruptive. In summary, the available evidence is currently insufficient to determine the role of this variant in disease. Therefore, it has been classified as a Variant of Uncertain Significance.